The following is an entry in ClinVar:

NM_017849.4(TMEM127):c.244G>C (p.Asp82His)

Gene: TMEM127 (transmembrane protein 127; minus strand). Cytogenetic location: 2q11.2.
Variant type: single nucleotide variant.
Coding change: c.244G>C on transcript NM_017849.4 (MANE Select); coding-DNA position 244, G replaced by C.
Protein change: p.Asp82His; replaces aspartic acid 82 with histidine.
Molecular consequence: missense variant. On other transcripts: intron variant (1).
Genome position (GRCh38, 1-based): chr2:96,265,138, C>G on the plus strand (G>C on the coding strand, the complement: TMEM127 is on the minus strand). VCF-style: chr2-96265138-C-G. GRCh37 (hg19) VCF-style: chr2-96930876-C-G.
Other names: c.244G>C, p.Asp82His (NM_001193304.3); c.-9+731G>C (NM_001407283.1); short protein forms D82H.
Identifiers: ClinVar variation 4841664 (VCV004841664.1).

ClinVar aggregate classification (germline): Uncertain significance (1 of 4 stars; one submission).

Conditions:
Hereditary cancer-predisposing syndrome. Also called: Neoplastic Syndromes, Hereditary; Tumor predisposition; Hereditary Cancer Syndrome; Hereditary neoplastic syndrome. Identifiers: Orphanet 140162, MedGen C0027672, MeSH D009386, MONDO:0015356.

Submission:

Ambry Genetics
Classification: Uncertain significance for Hereditary cancer-predisposing syndrome. Last evaluated: 2026-01-09. Review status: criteria provided, single submitter. Criteria: Ambry Variant Classification Scheme 2023. Collection method: clinical testing. Allele origin: germline.
Comment: The c.244G>C variant (also known as p.D82H), located in coding exon 1 of the TMEM127 gene, results from a G to C substitution at nucleotide position 244. The aspartic acid is replaced by histidine, an amino acid with similar properties. However, this change occurs in the last base pair of coding exon 1, which makes it likely to have some effect on normal mRNA splicing. This nucleotide position is highly conserved in available vertebrate species. This amino acid position is highly conserved in available vertebrate species. In silico splice site analysis predicts that this alteration may weaken the native splice donor site. In addition, as a missense substitution this is predicted to be inconclusive by in silico analysis. Based on the available evidence, the clinical significance of this variant remains unclear.